The following is an entry in ClinVar:

NM_000501.4(ELN):c.232+3G>A

Gene: ELN (elastin; plus strand). Cytogenetic location: 7q11.23.
Variant type: single nucleotide variant.
Coding change: c.232+3G>A on transcript NM_000501.4 (MANE Select); 3 bases into the intron after coding-DNA position 232, G replaced by A.
Molecular consequence: intron variant.
Genome position (GRCh38, 1-based): chr7:74,041,254, G>A. VCF-style: chr7-74041254-G-A. GRCh37 (hg19) VCF-style: chr7-73455584-G-A.
Other names: c.232+3G>A (NM_001081754.3, NM_001081753.3, NM_001278939.2 and 4 more transcripts); c.197-1360G>A (NM_001278913.2); c.202+3G>A (NM_001278914.2, NM_001278917.2, NM_001081752.3 and 1 more transcripts).
Identifiers: ClinVar variation 385940 (VCV000385940.58), dbSNP rs377172364, ClinGen allele CA4292385.
Genomic context (GRCh38, chr7:74,041,254, plus strand): 5'-TGTCTCTGTTTCTTATCCACAGTTCCCGGAGGGCTTGCGGGTGCTGGCCTTGGGGCAGGT[G>A]AGTGCTGACACCCAAGAAAGATATCCCCTGTGGGGACCAGCCCCTGAGCTCAACCCAGGG-3'

ClinVar aggregate classification (germline): Conflicting classifications of pathogenicity. Review status: criteria provided, conflicting classifications (1 of 4 stars). 9 submissions from 8 submitters: Uncertain significance (1); Benign (1); Likely benign (4). 3 of the submissions do not count toward it. Last evaluated 2026-01-27.

Conditions:
Supravalvar aortic stenosis (SVAS). Also called: Supravalvar aortic stenosis, Eisenberg type. Identifiers: Orphanet 3193, MedGen C0003499, MONDO:0008504, OMIM 185500, HP:0004381.
Cutis laxa, autosomal dominant 1 (ADCL1). Also called: ELN-Related Cutis Laxa. Identifiers: Orphanet 90348, MedGen C3276539, MONDO:0007411, OMIM 123700. Disease mechanism: Dominant Negative.

Allele frequency attached by ClinVar (database versions not stated): ExAC 0.00012; gnomAD 0.00015; gnomAD exomes 0.00019 and 0.00040; TOPMed 0.00020; ESP Exome Variant Server 0.00023.

Submissions (9):

Labcorp Genetics (formerly Invitae), Labcorp
Classification: Uncertain significance for Supravalvar aortic stenosis. Last evaluated: 2026-01-27. Review status: criteria provided, single submitter. Criteria: Invitae Variant Classification Sherloc (09022015). Collection method: clinical testing. Allele origin: germline.
Comment: This sequence change falls in intron 5 of the ELN gene. It does not directly change the encoded amino acid sequence of the ELN protein. It affects a nucleotide within the consensus splice site. This variant is present in population databases (rs377172364, gnomAD 0.04%), and has an allele count higher than expected for a pathogenic variant. This variant has not been reported in the literature in individuals affected with ELN-related conditions. ClinVar contains an entry for this variant (Variation ID: 385940). Variants that disrupt the consensus splice site are a relatively common cause of aberrant splicing (PMID: 17576681, 9536098). Algorithms developed to predict the effect of sequence changes on RNA splicing suggest that this variant is not likely to affect RNA splicing. In summary, the available evidence is currently insufficient to determine the role of this variant in disease. Therefore, it has been classified as a Variant of Uncertain Significance.

Blueprint Genetics
Classification: Likely benign. Last evaluated: 2024-09-12. Review status: criteria provided, single submitter. Criteria: ACMG Guidelines, 2015. Collection method: clinical testing. Allele origin: germline.

CeGaT Center for Human Genetics Tuebingen
Classification: Likely benign. Last evaluated: 2019-02-01. Review status: criteria provided, single submitter. Criteria: CeGaT Center For Human Genetics Tuebingen Variant Classification Criteria Version 2. Collection method: clinical testing. Allele origin: germline. Affected: yes. Observed: 2 variant alleles.

Illumina Laboratory Services, Illumina
Classification: Benign for Cutis laxa, autosomal dominant 1. Last evaluated: 2018-01-13. Review status: criteria provided, single submitter. Criteria: ICSL Variant Classification Criteria 13 December 2019. Collection method: clinical testing. Allele origin: germline.
Comment: This variant was observed in the ICSL laboratory as part of a predisposition screen in an ostensibly healthy population. It had not been previously curated by ICSL or reported in the Human Gene Mutation Database (HGMD: prior to June 1st, 2018), and was therefore a candidate for classification through an automated scoring system. Utilizing variant allele frequency, disease prevalence and penetrance estimates, and inheritance mode, an automated score was calculated to assess if this variant is too frequent to cause the disease. Based on the score and internal cut-off values, a variant classified as benign is not then subjected to further curation. The score for this variant resulted in a classification of benign for this disease.

Illumina Laboratory Services, Illumina
Classification: Likely benign for Supravalvar aortic stenosis. Last evaluated: 2018-01-13. Review status: criteria provided, single submitter. Criteria: ICSL Variant Classification Criteria 13 December 2019. Collection method: clinical testing. Allele origin: germline.
Comment: This variant was observed in the ICSL laboratory as part of a predisposition screen in an ostensibly healthy population. It had not been previously curated by ICSL or reported in the Human Gene Mutation Database (HGMD: prior to June 1st, 2018), and was therefore a candidate for classification through an automated scoring system. Utilizing variant allele frequency, disease prevalence and penetrance estimates, and inheritance mode, an automated score was calculated to assess if this variant is too frequent to cause the disease. Based on the score and internal cut-off values, a variant classified as likely benign is not then subjected to further curation. The score for this variant resulted in a classification of likely benign for this disease.

GeneDx
Classification: Likely benign. Last evaluated: 2017-04-04. Review status: criteria provided, single submitter. Criteria: GeneDx Variant Classification (06012015). Collection method: clinical testing. Allele origin: germline. Affected: yes.
Comment: This variant is considered likely benign or benign based on one or more of the following criteria: it is a conservative change, it occurs at a poorly conserved position in the protein, it is predicted to be benign by multiple in silico algorithms, and/or has population frequency not consistent with disease.

Clinical Genetics DNA and cytogenetics Diagnostics Lab, Erasmus MC, Erasmus Medical Center
Classification: Likely benign. Review status: no assertion criteria provided. Collection method: clinical testing. Allele origin: germline. Affected: yes. Study: VKGL Data-share Consensus. Not counted in ClinVar's aggregate classification.

Genome Diagnostics Laboratory, Amsterdam University Medical Center
Classification: Benign. Review status: no assertion criteria provided. Collection method: clinical testing. Allele origin: germline. Affected: yes. Study: VKGL Data-share Consensus. Not counted in ClinVar's aggregate classification.

Genome Diagnostics Laboratory, University Medical Center Utrecht
Classification: Likely benign. Review status: no assertion criteria provided. Collection method: clinical testing. Allele origin: germline. Affected: yes. Study: VKGL Data-share Consensus. Not counted in ClinVar's aggregate classification.

Literature cited by the submitters: PubMed 17576681 (cited by Labcorp Genetics (formerly Invitae), Labcorp); PubMed 9536098 (cited by Labcorp Genetics (formerly Invitae), Labcorp).